The following is an entry in ClinVar:

ClinVar aggregate classification (germline): Uncertain significance (1 of 4 stars; one submission).

Conditions:
Cardiomyopathy (CMYO). Also called: Cardiomyopathies. Identifiers: Orphanet 167848, MedGen C0878544, MONDO:0004994, HP:0001638. Inheritance: Various modes of inheritance.

Allele frequency attached by ClinVar (database versions not stated): gnomAD exomes below 0.00001.
gnomAD v4.1: 1 of 1,613,840 alleles (0.000062%); highest among the groups gnomAD compares: East Asian, 0.0022%; no homozygotes.

Submission:

Color Diagnostics, LLC DBA Color Health
Classification: Uncertain significance for Cardiomyopathy. Last evaluated: 2024-03-06. Review status: criteria provided, single submitter. Criteria: ACMG Guidelines, 2015. Collection method: clinical testing. Allele origin: germline.
Comment: This missense variant replaces alanine with threonine at codon 1570 of the MYH7 protein. Computational prediction suggests that this variant may not impact protein structure and function (internally defined REVEL score threshold <= 0.5, PMID: 27666373). To our knowledge, functional studies have not been reported for this variant. This variant has not been reported in individuals affected with MYH7-related disorders in the literature. This variant has not been identified in the general population by the Genome Aggregation Database (gnomAD). The available evidence is insufficient to determine the role of this variant in disease conclusively. Therefore, this variant is classified as a Variant of Uncertain Significance.

NM_000257.4(MYH7):c.4708G>A (p.Ala1570Thr)

Genes: MHRT (myosin heavy chain associated RNA transcript; plus strand), MYH7 (myosin heavy chain 7; minus strand), LOC126861897 (BRD4-independent group 4 enhancer GRCh37_chr14:23884455-23885654; plus strand). Cytogenetic location: 14q11.2.
Variant type: single nucleotide variant.
Coding change: c.4708G>A on transcript NM_000257.4 (MANE Select); coding-DNA position 4708, G replaced by A.
Protein change: p.Ala1570Thr; replaces alanine 1570 with threonine.
Molecular consequence: missense variant. On other transcripts: non-coding transcript variant (1).
Genome position (GRCh38, 1-based): chr14:23,416,249, C>T on the plus strand (G>A on the coding strand, the complement: MYH7 is on the minus strand). VCF-style: chr14-23416249-C-T. GRCh37 (hg19) VCF-style: chr14-23885458-C-T.
Other names: c.4708G>A, p.Ala1570Thr (NM_001407004.1); short protein forms A1570T.
Identifiers: ClinVar variation 2773896 (VCV002773896.2), dbSNP rs2502245599, ClinGen allele CA389037809.